The following continues an entry in ClinVar:

NM_000136.3(FANCC):c.456+4A>T

Gene: FANCC. ClinVar aggregate classification (germline): Pathogenic. Pathogenic (24).

Submissions 9 to 25 of 29:

Genetic Services Laboratory, University of Chicago
Classification: Pathogenic. Last evaluated: 2024-12-16. Review status: criteria provided, single submitter. Criteria: ACMG Guidelines, 2015. Collection method: clinical testing. Allele origin: germline. Affected: yes.
Comment: DNA sequence analysis of the FANCC gene demonstrated a sequence change in intron 5, c.456+4A>T. This particular sequence change has been described in the homozygous and compound heterozygous state in multiple unrelated individuals with FANCC-related Fanconi anemia (PMIDs: 31558676, 28425259, 23613520, 10666230, 9207444, 8639804, 7492758, 8128956). This sequence change has been described in the gnomAD database with a frequency of 0.62% in the Ashkenazi Jewish subpopulation (dbSNP rs104886456) and is considered a founder allele in the Ashkenazi Jewish subpopulation (PMID: 7492758). In vitro splice prediction programs and in vitro RNA splicing studies indicate that this sequence change results in altered splicing of the FANCC gene and produces an altered FANCC protein product with reduced function (PMIDs: 8348157, 15364573). Taken together, the available evidence indicates that this sequence change is pathogenic.

Blueprint Genetics
Classification: Pathogenic for FANCC-related disorders. Last evaluated: 2024-11-22. Review status: criteria provided, single submitter. Criteria: ACMG Guidelines, 2015. Collection method: clinical testing. Allele origin: germline. Affected: yes. Observed: 5 variant alleles.

Fulgent Genetics
Classification: Pathogenic for Fanconi anemia complementation group C. Last evaluated: 2024-04-25. Review status: criteria provided, single submitter. Criteria: ACMG Guidelines, 2015. Collection method: clinical testing. Allele origin: germline.

Baylor Genetics
Classification: Pathogenic for Fanconi anemia complementation group C. Last evaluated: 2024-03-30. Review status: criteria provided, single submitter. Criteria: ACMG Guidelines, 2015. Collection method: clinical testing. Allele origin: unknown.

New York Genome Center
Classification: Pathogenic for Fanconi anemia complementation group C. Last evaluated: 2023-01-13. Review status: criteria provided, single submitter. Criteria: NYGC Assertion Criteria 2020. Collection method: clinical testing. Allele origin: inherited. Affected: yes. Observed: 1 compound heterozygote. Study: PrenatalSEQ.
Comment: The c.456+4A>T variant identified in FANCC has previously been reported as homozygous and compound heterozygous in multiple individuals with Fanconi anemia [PMID: 20301575] and determined as a pathogenic founder variant in the Ashkenazi Jewish population [PMID: 7492758]. Multiple independent laboratories have deposited this variant as Pathogenic in the ClinVar database (Variation ID: 12045). The c.456+4A>T variant is observed in 137 alleles (0.023% minor allele frequency with 0 homozygotes) in population databases (gnomAD v2.1.1 and v3.1.2, TOPMed Freeze 8), and this frequency is low enough to be consistent with a recessive carrier frequency. The c.456+4A>T variant is located in the splice region after exon 5 of this 15-exon gene and is predicted to affect mRNA splicing (Splice AI = 0.895). Functional studies demonstrated aberrant splicing and reduced DNA end-joining activity in patient-derived fibroblast cells carrying the c.456+4A>T variant [PMID: 8348157, 15364573]. Based on available evidence this inherited c.456+4A>T variant identified in FANCC is classified as Pathogenic.

Quest Diagnostics Nichols Institute San Juan Capistrano
Classification: Pathogenic. Last evaluated: 2022-12-15. Review status: criteria provided, single submitter. Criteria: Quest Diagnostics criteria. Collection method: clinical testing. Allele origin: unknown.
Comment: In the published literature, the variant has been reported in individuals with Fanconi anemia type C (FA-C) (PMIDs: 31558676 (2020), 28425259 (2017), 23613520 (2013), 10666230 (2000), 9207444 (1997), 8639804 (1996), 7492758 (1995), 8128956 (1994)) and in individuals with various cancer types, including rhabdomyosarcoma (PMID: 34308366 (2021)), hereditary breast and/or ovarian cancer (PMIDs: 32885271 (2021), 32235514 (2020), 30322717 (2018), 26681312 (2015)), anaplastic astrocytoma (PMID: 32570879 (2020)), testicular cancer (PMID: 30676620 (2019)), melanoma (PMID: 26681312 (2015)) and pancreatic cancer (PMID: 26681312 (2015)). Functional studies have demonstrated this variant leads to exon skipping (PMID: 8348157 (1993)) and decreased DNA end joining ability (PMID: 15364573 (2004)). Additionally, this variant is a well-known founder variant in the Ashkenazi Jewish population (PMIDs: 10666230 (2000), 7492758 (1995), 8348157 (1993)). Analysis of this variant using software algorithms for the prediction of the effect of nucleotide changes on FANCC mRNA splicing yielded inconclusive findings. Based on the available information, this variant is classified as pathogenic.

GeneDx
Classification: Pathogenic. Last evaluated: 2022-06-06. Review status: criteria provided, single submitter. Criteria: GeneDx Variant Classification Process June 2021. Collection method: clinical testing. Allele origin: germline. Affected: yes.
Comment: Canonical splice site variant demonstrated to result in an in-frame loss of exon 5 (Whitney 1993), which includes portions of the critical RED, FAZF, GRP94, and Hsp70 binding regions (Gordon 2000); Published functional studies demonstrate a damaging effect: decreased nuclear localization, p53 phosphorylation and binding to co-factors in response to drug-induced DNA damage (Loke 2015); Also known as IVS4+4A>T; This variant is associated with the following publications: (PMID: 22701786, 10666230, 26681312, 20301575, 30792206, 31513304, 8348157, 23613520, 26778106, 27619566, 26976241, 28301456, 28717661, 28495237, 27832981, 28425259, 28627524, 30683899, 30322717, 30676620, 20869034, 25236480, 7492758, 25545896, 30249500, 32570879, 30945166, 31558676, 25652403, 32235514, 8734810, 32885271, 34308366, 34426522, Gordon2000[Book])

Department of Pediatrics, Memorial Sloan Kettering Cancer Center
Classification: Pathogenic for Fanconi anemia complementation group C. Last evaluated: 2020-12-15. Review status: criteria provided, single submitter. Criteria: ACMG Guidelines, 2015. Collection method: research. Allele origin: germline. Affected: no.

Myriad Genetics, Inc.
Classification: Pathogenic for Fanconi anemia complementation group C. Last evaluated: 2019-11-12. Review status: criteria provided, single submitter. Criteria: Myriad Women's Health Autosomal Recessive and X-Linked Classification Criteria (2019). Collection method: clinical testing. Allele origin: unknown.
Comment: NM_000136.2(FANCC):c.456+4A>T is classified as pathogenic in the context of Fanconi anemia. Sources cited for classification include the following: 8081385, 7492758, 8348157, 11427142, 9207444, and 10666230. Classification of NM_000136.2(FANCC):c.456+4A>T is based on the following criteria: This is a well-established pathogenic variant in the literature that has been observed more frequently in patients with clinical diagnoses than in healthy populations. Please note: this variant was assessed in the context of healthy population screening.

Institute of Human Genetics, University of Leipzig Medical Center
Classification: Pathogenic for Fanconi anemia complementation group C. Last evaluated: 2019-01-01. Review status: criteria provided, single submitter. Criteria: ACMG Guidelines, 2015. Collection method: clinical testing. Allele origin: unknown. Affected: yes.

Illumina Laboratory Services, Illumina
Classification: Pathogenic for Fanconi anemia complementation group C. Last evaluated: 2018-10-05. Review status: criteria provided, single submitter. Criteria: ICSL Variant Classification Criteria 09 May 2019. Collection method: clinical testing. Allele origin: germline.
Comment: The FANCC c.456+4A>T variant is a common pathogenic FANCC variant, particularly in the Ashkenazi Jewish population (Verlander et al. 1995; Auerbach, 2009). Across a selection of available literature, the c.456+4A>T variant has been identified in a homozygous state in 12 probands, in a heterozygous state in one proband in whom a second variant was not identified, and in a heterozygous state in seven unaffected family members (Whitney et al. 1993; Futaki et al. 2000; Auerbach, 2009). The c.456+4A>T variant was absent from 25 controls and is reported at a frequency of 0.006016 in the European (non-Finnish) population of the Genome Aggregation Database. Verlander et al. (1995) determined that the carrier frequency of the c.456+4A>T variant in the Ashkenazi Jewish population is approximately one in 89, or 1.1%. RT-PCR analysis indicated the c.456+4A>T variant disrupts splicing and results in the production of two abnormal products, an 111bp in-frame deletion and a 40bp partial removal of exon 4 (Whitney et al. 1993). Patient-derived fibroblasts demonstrated that the c.456+4A>T variant significantly reduced DNA end-joining activity compared with wild type cells (Donahue et al. 2004). Based on the evidence, the c.456+4A>T variant is classified as pathogenic for Fanconi anemia. This variant was observed by ICSL as part of a predisposition screen in an ostensibly healthy population.

Mendelics
Classification: Pathogenic for Fanconi anemia, complementation group C. Last evaluated: 2018-07-02. Review status: criteria provided, single submitter. Criteria: Mendelics Assertion Criteria 2017. Collection method: clinical testing. Allele origin: unknown.

Eurofins Ntd Llc (ga)
Classification: Pathogenic. Last evaluated: 2015-04-07. Review status: criteria provided, single submitter. Criteria: EGL Classification Definitions 2015. Collection method: clinical testing. Allele origin: germline. Observed: 7 variant alleles, 4 heterozygotes, 3 homozygotes.

Center for Pediatric Genomic Medicine, Children's Mercy Hospital and Clinics
Classification: Pathogenic. Last evaluated: 2015-02-11. Review status: criteria provided, single submitter. Criteria: ACMG Guidelines, 2015. Collection method: clinical testing. Allele origin: germline.

Kariminejad - Najmabadi Pathology & Genetics Center
Classification: Pathogenic for Fanconi anemia complementation group C. Review status: criteria provided, single submitter. Criteria: ACMG Guidelines, 2015. Collection method: clinical testing. Allele origin: germline. Affected: no.

University Health Network, Familial Cancer Clinic, Princess Margaret Cancer Centre
Classification: Pathogenic for Fanconi anemia complementation group C. Review status: criteria provided, single submitter. Criteria: ACMG Guidelines, 2015. Collection method: clinical testing. Allele origin: germline. Inheritance: Autosomal recessive inheritance. Affected: no. Observed: 1 variant allele.

Leiden Open Variation Database
Classification: Pathogenic for Fanconi anemia complementation group C. Last evaluated: 2020-02-28. Review status: no assertion criteria provided. Collection method: curation. Allele origin: germline. Affected: no. Not counted in ClinVar's aggregate classification.
Comment: Curator: Arleen D. Auerbach. Submitters to LOVD: Arleen D. Auerbach, Daniela Pilonetto.